The following is an entry in ClinVar:

ClinVar aggregate classification (germline): Uncertain significance (1 of 4 stars; one submission).

gnomAD v4.1: 1 of 1,610,520 alleles (0.000062%); no homozygotes.

Submission:

GeneDx
Classification: Uncertain significance. Last evaluated: 2024-10-05. Review status: criteria provided, single submitter. Criteria: GeneDx Variant Classification Process June 2021. Collection method: clinical testing. Allele origin: germline. Affected: yes.
Comment: Not observed at significant frequency in large population cohorts (gnomAD); In silico analysis indicates that this missense variant does not alter protein structure/function; Has not been previously published as pathogenic or benign to our knowledge

NM_198525.3(KIF7):c.2782G>A (p.Ala928Thr)

Gene: KIF7 (kinesin family member 7; minus strand). Cytogenetic location: 15q26.1.
Variant type: single nucleotide variant.
Coding change: c.2782G>A on transcript NM_198525.3 (MANE Select); coding-DNA position 2782, G replaced by A.
Protein change: p.Ala928Thr; replaces alanine 928 with threonine.
Molecular consequence: missense variant.
Genome position (GRCh38, 1-based): chr15:89,632,933, C>T on the plus strand (G>A on the coding strand, the complement: KIF7 is on the minus strand). VCF-style: chr15-89632933-C-T. GRCh37 (hg19) VCF-style: chr15-90176164-C-T.
Other names: short protein forms A928T.
Identifiers: ClinVar variation 3776593 (VCV003776593.1).